The following is an entry in ClinVar:

ClinVar aggregate classification (germline): Uncertain significance (1 of 4 stars; one submission).

Conditions:
Congenital disorder of deglycosylation (CDDG). Identifiers: MedGen C3808991, MONDO:0031376.

Allele frequency attached by ClinVar (database versions not stated): TOPMed 0.00005.
gnomAD v4.1: 18 of 1,614,068 alleles (0.0011%); highest among the groups gnomAD compares: Admixed American, 0.0067%; no homozygotes.

Submission:

Labcorp Genetics (formerly Invitae), Labcorp
Classification: Uncertain significance for Congenital disorder of deglycosylation. Last evaluated: 2022-08-23. Review status: criteria provided, single submitter. Criteria: Invitae Variant Classification Sherloc (09022015). Collection method: clinical testing. Allele origin: germline.
Comment: This sequence change replaces isoleucine, which is neutral and non-polar, with valine, which is neutral and non-polar, at codon 107 of the NGLY1 protein (p.Ile107Val). This variant is present in population databases (rs757774666, gnomAD 0.009%). This variant has not been reported in the literature in individuals affected with NGLY1-related conditions. ClinVar contains an entry for this variant (Variation ID: 573281). Algorithms developed to predict the effect of missense changes on protein structure and function output the following: SIFT: "Tolerated"; PolyPhen-2: "Benign"; Align-GVGD: "Class C0". The valine amino acid residue is found in multiple mammalian species, which suggests that this missense change does not adversely affect protein function. In summary, the available evidence is currently insufficient to determine the role of this variant in disease. Therefore, it has been classified as a Variant of Uncertain Significance.

NM_018297.4(NGLY1):c.319A>G (p.Ile107Val)

Gene: NGLY1 (N-glycanase 1; minus strand). Cytogenetic location: 3p24.2.
Variant type: single nucleotide variant.
Coding change: c.319A>G on transcript NM_018297.4 (MANE Select); coding-DNA position 319, A replaced by G.
Protein change: p.Ile107Val; replaces isoleucine 107 with valine.
Molecular consequence: missense variant.
Genome position (GRCh38, 1-based): chr3:25,764,239, T>C on the plus strand (A>G on the coding strand, the complement: NGLY1 is on the minus strand). VCF-style: chr3-25764239-T-C. GRCh37 (hg19) VCF-style: chr3-25805730-T-C.
Other names: c.319A>G, p.Ile107Val (NM_001145293.2, NM_001145295.2); c.193A>G, p.Ile65Val (NM_001145294.2); short protein forms I65V, I107V.
Identifiers: ClinVar variation 573281 (VCV000573281.3), dbSNP rs757774666, ClinGen allele CA2289515.